The following is an entry in ClinVar:

ClinVar aggregate classification (germline): Likely benign (0 of 4 stars; one submission).

Conditions:
MYT1L-related disorder. Also called: MYT1L-related condition.

gnomAD v4.1: 11 of 1,611,646 alleles (0.00068%); highest among the groups gnomAD compares: Non-Finnish European, 0.00085%; no homozygotes.

Submission:

PreventionGenetics, part of Exact Sciences
Classification: Likely benign for MYT1L-related condition. Last evaluated: 2019-06-12. Review status: no assertion criteria provided. Collection method: clinical testing. Allele origin: germline.
Comment: This variant is classified as likely benign based on ACMG/AMP sequence variant interpretation guidelines (Richards et al. 2015 PMID: 25741868, with internal and published modifications).

NM_001303052.2(MYT1L):c.3277-9G>A

Gene: MYT1L (myelin transcription factor 1 like; minus strand). Cytogenetic location: 2p25.3.
Variant type: single nucleotide variant.
Coding change: c.3277-9G>A on transcript NM_001303052.2 (MANE Select); 9 bases into the intron before coding-DNA position 3277, G replaced by A.
Molecular consequence: intron variant.
Genome position (GRCh38, 1-based): chr2:1,792,473, C>T on the plus strand (G>A on the coding strand, the complement: MYT1L is on the minus strand). VCF-style: chr2-1792473-C-T. GRCh37 (hg19) VCF-style: chr2-1796245-C-T.
Other names: c.3271-9G>A (NM_015025.4, NM_001329847.2, NM_001329848.1 and 1 more transcripts); c.3277-9G>A (NM_001329844.2, NM_001329845.1, NM_001329849.3 and 2 more transcripts).
Identifiers: ClinVar variation 3352308 (VCV003352308.1).
Genomic context (GRCh38, chr2:1,792,473, plus strand): 5'-TCACTTTGTTCTCCTCTTCGATGGTCTTCAGGTTGCTCTCCATCGTGGTAATCTGAAACG[C>T]ACAAGTGTGCGTGACATGTAACACCAGGAGGACCTAGGAGCGCGTGGTCGTTGCCGGGGG-3'